The following is an entry in ClinVar:

ClinVar aggregate classification (germline): Uncertain significance (1 of 4 stars; one submission).

Conditions:
Psoriasis 2. Identifiers: MedGen C1864497, MONDO:0011269, OMIM 602723.
Pityriasis rubra pilaris (PRP). Also called: Pityriasis rubra pilaris--familial type. Identifiers: Orphanet 2897, MedGen C0032027, MONDO:0100017, OMIM 173200, MONDO:0008251.

Submission:

Labcorp Genetics (formerly Invitae), Labcorp
Classification: Uncertain significance for Pityriasis rubra pilaris; Psoriasis 2. Last evaluated: 2025-12-08. Review status: criteria provided, single submitter. Criteria: Invitae Variant Classification Sherloc (09022015). Collection method: clinical testing. Allele origin: germline.
Comment: This sequence change replaces isoleucine, which is neutral and non-polar, with valine, which is neutral and non-polar, at codon 989 of the CARD14 protein (p.Ile989Val). This variant is not present in population databases (gnomAD no frequency). This variant has not been reported in the literature in individuals affected with CARD14-related conditions. Invitae Evidence Modeling of protein sequence and biophysical properties (such as structural, functional, and spatial information, amino acid conservation, physicochemical variation, residue mobility, and thermodynamic stability) indicates that this missense variant is not expected to disrupt CARD14 protein function with a negative predictive value of 95%. In summary, the available evidence is currently insufficient to determine the role of this variant in disease. Therefore, it has been classified as a Variant of Uncertain Significance.

NM_001366385.1(CARD14):c.2965A>G (p.Ile989Val)

Genes: SGSH (N-sulfoglucosamine sulfohydrolase; minus strand), CARD14 (caspase recruitment domain family member 14; plus strand). Cytogenetic location: 17q25.3.
Variant type: single nucleotide variant.
Coding change: c.2965A>G on transcript NM_001366385.1 (MANE Select); coding-DNA position 2965, A replaced by G.
Protein change: p.Ile989Val; replaces isoleucine 989 with valine.
Molecular consequence: missense variant. On other transcripts: non-coding transcript variant (1).
Genome position (GRCh38, 1-based): chr17:80,208,295, A>G. VCF-style: chr17-80208295-A-G. GRCh37 (hg19) VCF-style: chr17-78182094-A-G.
Other names: c.2965A>G, p.Ile989Val (NM_024110.4); short protein forms I989V.
Identifiers: ClinVar variation 4783642 (VCV004783642.1).